The following is an entry in ClinVar:

ClinVar aggregate classification (germline): Uncertain significance. Review status: criteria provided, multiple submitters, no conflicts (2 of 4 stars). 3 submissions from 3 submitters: Uncertain significance (3). Last evaluated 2025-08-15.

Conditions:
Inborn genetic diseases. Identifiers: MedGen C0950123, MeSH D030342.
Combined immunodeficiency due to LRBA deficiency. Also called: Common variable immunodeficiency 8, with autoimmunity. Identifiers: Orphanet 445018, MedGen C3553512, MONDO:0013863, OMIM 614700.

Allele frequency attached by ClinVar (database versions not stated): TOPMed 0.00006; 1000 Genomes Project 30x 0.00016; 1000 Genomes Project 0.00020.
gnomAD v4.1: 99 of 1,613,932 alleles (0.0061%); highest among the groups gnomAD compares: Non-Finnish European, 0.0079%; no homozygotes.

Submissions (3):

Ambry Genetics
Classification: Uncertain significance for Inborn genetic diseases. Last evaluated: 2025-08-15. Review status: criteria provided, single submitter. Criteria: Ambry Variant Classification Scheme 2023. Collection method: clinical testing. Allele origin: germline.

Blueprint Genetics
Classification: Uncertain significance. Last evaluated: 2023-06-13. Review status: criteria provided, single submitter. Criteria: ACMG Guidelines, 2015. Collection method: clinical testing. Allele origin: germline.

Labcorp Genetics (formerly Invitae), Labcorp
Classification: Uncertain significance for Combined immunodeficiency due to LRBA deficiency. Last evaluated: 2021-08-28. Review status: criteria provided, single submitter. Criteria: Invitae Variant Classification Sherloc (09022015). Collection method: clinical testing. Allele origin: germline.
Comment: This sequence change replaces leucine with valine at codon 1125 of the LRBA protein (p.Leu1125Val). The leucine residue is weakly conserved and there is a small physicochemical difference between leucine and valine. This variant is present in population databases (rs138238756, ExAC 0.009%). This variant has not been reported in the literature in individuals affected with LRBA-related conditions. Algorithms developed to predict the effect of missense changes on protein structure and function are either unavailable or do not agree on the potential impact of this missense change (SIFT: "Tolerated"; PolyPhen-2: "Possibly Damaging"; Align-GVGD: "Class C0"). Algorithms developed to predict the effect of sequence changes on RNA splicing suggest that this variant may create or strengthen a splice site. In summary, the available evidence is currently insufficient to determine the role of this variant in disease. Therefore, it has been classified as a Variant of Uncertain Significance.

NM_001364905.1(LRBA):c.3373C>G (p.Leu1125Val)

Gene: LRBA (LPS responsive beige-like anchor protein; minus strand). Cytogenetic location: 4q31.3.
Variant type: single nucleotide variant.
Coding change: c.3373C>G on transcript NM_001364905.1 (MANE Select); coding-DNA position 3373, C replaced by G.
Protein change: p.Leu1125Val; replaces leucine 1125 with valine.
Molecular consequence: missense variant.
Genome position (GRCh38, 1-based): chr4:150,852,337, G>C on the plus strand (C>G on the coding strand, the complement: LRBA is on the minus strand). VCF-style: chr4-150852337-G-C. GRCh37 (hg19) VCF-style: chr4-151773489-G-C.
Other names: c.3373C>G, p.Leu1125Val (NM_001199282.3, NM_001367550.1, NM_006726.5); short protein forms L1125V.
Identifiers: ClinVar variation 636581 (VCV000636581.10), dbSNP rs138238756, ClinGen allele CA3103054.